The following is an entry in ClinVar:

NM_170606.3(KMT2C):c.8912C>G (p.Ser2971Cys)

Gene: KMT2C (lysine methyltransferase 2C; minus strand). Cytogenetic location: 7q36.1.
Variant type: single nucleotide variant.
Coding change: c.8912C>G on transcript NM_170606.3 (MANE Select); coding-DNA position 8912, C replaced by G.
Protein change: p.Ser2971Cys; replaces serine 2971 with cysteine.
Molecular consequence: missense variant.
Genome position (GRCh38, 1-based): chr7:152,176,541, G>C on the plus strand (C>G on the coding strand, the complement: KMT2C is on the minus strand). VCF-style: chr7-152176541-G-C. GRCh37 (hg19) VCF-style: chr7-151873626-G-C.
Other names: short protein forms S2971C.
Identifiers: ClinVar variation 4991146 (VCV004991146.1).
Genomic context (GRCh38, chr7:152,176,541, plus strand): 5'-GGGTTTACCTGCACACCCTGAGAAAAAACATGGTTTACCCTAGAGACTACTGTCACATTA[G>C]AATTCATGGCATTATCCAAAACACGGCCAGGCGGTGCTATGAAAGGAGGCAAACTTGACA-3'
Protein context (NP_733751.2, residues 2961-2981): PGRVLDNAMN[Ser2971Cys]NVTVVSRVNH

ClinVar aggregate classification (germline): Uncertain significance (1 of 4 stars; one submission).

Conditions:
KMT2C-related disorder. Also called: KMT2C-related condition; KMT2C-related disorders.

Submission:

PreventionGenetics, part of Exact Sciences
Classification: Uncertain significance for KMT2C-related condition. Last evaluated: 2026-01-13. Review status: criteria provided, single submitter. Criteria: ACMG Guidelines, 2015. Collection method: clinical testing. Allele origin: germline.
Comment: The KMT2C c.8912C>G variant is predicted to result in the amino acid substitution p.Ser2971Cys. To our knowledge, this variant has not been reported in the literature or in a large population database (gnomAD), indicating this variant is rare. At this time, the clinical significance of this variant is uncertain due to the absence of conclusive functional and genetic evidence.